The following is an entry in ClinVar:

NM_004135.4(IDH3G):c.33del (p.Ser11fs)

Genes: IDH3G (isocitrate dehydrogenase (NAD(+)) 3 non-catalytic subunit gamma; minus strand), SSR4 (signal sequence receptor subunit 4; plus strand). Cytogenetic location: Xq28.
Variant type: Deletion.
Coding change: c.33del on transcript NM_004135.4 (MANE Select); coding-DNA position 33, one base deleted (C; older notation c.33delC).
Protein change: p.Ser11fs; shifts the reading frame from serine 11.
Molecular consequence: frameshift variant. On other transcripts: 5 prime UTR variant (3).
Genome position (GRCh38, 1-based): chrX:153,794,294, G deleted on the plus strand (C on the coding strand, the reverse complement: IDH3G is on the minus strand). VCF-style (leftmost placement, unchanged base first): chrX-153794293-CG-C. GRCh37 (hg19) VCF-style: chrX-153059748-CG-C.
Other names: c.33del, p.Ser11fs (NM_174869.3); c.-31del (NM_001204527.2, NM_001440795.1); c.-143del (NM_001440796.1); short protein forms S11fs.
Identifiers: ClinVar variation 5037933 (VCV005037933.1).
Genomic context (GRCh38, chrX:153,794,293, plus strand): 5'-TTTCCCTGCTCACCTCCCAGGGACGGCAGAGAAGGGCTGGCCCGAGCACCGCCTTCGCGG[CG>C]CTGCCGGCGACGGTCGCTACCTTCAGCGCCATGACGGAAAGTGAGAGCCTCCGCACGTCC-3'

ClinVar aggregate classification (germline): Likely pathogenic (0 of 4 stars; one submission).

Conditions:
Rod-cone dystrophy. Identifiers: MedGen C4551714, HP:0000510.

Submission:

Centre for Vision Research, Duke-NUS Medical School
Classification: Likely pathogenic for Rod-cone dystrophy. Last evaluated: 2026-09-04. Review status: no assertion criteria provided. Collection method: clinical testing. Allele origin: germline. Affected: yes. Observed: 1 variant allele.
Comment: The deletion is predicted to cause a frameshift and subsequent early termination of the protein sequence at AA 29.